The following is an entry in ClinVar:

NM_000138.5(FBN1):c.3395_3396del (p.Thr1132fs)

Gene: FBN1 (fibrillin 1; minus strand). Cytogenetic location: 15q21.1.
Variant type: Microsatellite.
Coding change: c.3395_3396del on transcript NM_000138.5 (MANE Select); coding-DNA positions 3395 to 3396, 2 bases deleted (CA; older notation c.3395_3396delCA).
Protein change: p.Thr1132fs; shifts the reading frame from threonine 1132.
Molecular consequence: frameshift variant.
Genome position (GRCh38, 1-based): chr15:48,487,379-48,487,380, TG deleted on the plus strand (CA on the coding strand, the reverse complement: FBN1 is on the minus strand); deleting any 2 consecutive bases within chr15:48,487,379-48,487,383 gives the same sequence; the c. name uses the placement nearest the transcript's 3' end. VCF-style (leftmost placement, unchanged base first): chr15-48487378-CTG-C. GRCh37 (hg19) VCF-style: chr15-48779575-CTG-C.
Other names: c.3395_3396del (NM_000138.4); c.3392_3393AC[1], p.Thr1132Argfs (NM_000138.4); c.3395_3396del, p.Thr1132fs (NM_001406716.1); short protein forms T1132fs.
Identifiers: ClinVar variation 1325495 (VCV001325495.2), dbSNP rs2141293662, ClinGen allele CA2695220310.

ClinVar aggregate classification (germline): Pathogenic (1 of 4 stars; one submission).

Conditions:
Marfan syndrome (MFS). Also called: Marfan syndrome type 1; Marfan's syndrome; FBN1-Related Marfan Syndrome; MARFAN SYNDROME, TYPE I; Marfan syndrome, classic. Identifiers: Orphanet 284963, Orphanet 558, MedGen C0024796, MONDO:0007947, OMIM 154700.

Submission:

Centre of Medical Genetics, University of Antwerp
Classification: Pathogenic for Marfan syndrome. Last evaluated: 2021-03-01. Review status: criteria provided, single submitter. Criteria: Submitter's publication. Collection method: research. Allele origin: unknown. Affected: yes.
Comment: PM2, PVS1, PP4